The following is an entry in ClinVar:

NM_004341.5(CAD):c.4395G>A (p.Pro1465=)

Gene: CAD (carbamoyl-phosphate synthetase 2, aspartate transcarbamylase, and dihydroorotase; plus strand). Cytogenetic location: 2p23.3.
Variant type: single nucleotide variant.
Coding change: c.4395G>A on transcript NM_004341.5 (MANE Select); coding-DNA position 4395, G replaced by A.
Protein change: p.Pro1465=; no amino-acid change (proline 1465 retained).
Molecular consequence: synonymous variant.
Genome position (GRCh38, 1-based): chr2:27,236,829, G>A. VCF-style: chr2-27236829-G-A. GRCh37 (hg19) VCF-style: chr2-27459697-G-A.
Other names: c.4206G>A, p.Pro1402= (NM_001306079.2).
Identifiers: ClinVar variation 1384100 (VCV001384100.3), dbSNP rs200696069, ClinGen allele CA1573509.

ClinVar aggregate classification (germline): Uncertain significance (1 of 4 stars; one submission).

Allele frequency attached by ClinVar (database versions not stated): 1000 Genomes Project 30x 0.00016; 1000 Genomes Project 0.00020.
gnomAD v4.1: 40 of 1,613,902 alleles (0.0025%); highest among the groups gnomAD compares: Middle Eastern, 0.016%; no homozygotes.

Submission:

Labcorp Genetics (formerly Invitae), Labcorp
Classification: Uncertain significance. Last evaluated: 2022-03-14. Review status: criteria provided, single submitter. Criteria: Invitae Variant Classification Sherloc (09022015). Collection method: clinical testing. Allele origin: germline.
Comment: This sequence change affects codon 1465 of the CAD mRNA. It is a 'silent' change, meaning that it does not change the encoded amino acid sequence of the CAD protein. It affects a nucleotide within the consensus splice site. This variant is present in population databases (rs200696069, gnomAD 0.01%). This variant has not been reported in the literature in individuals affected with CAD-related conditions. Algorithms developed to predict the effect of sequence changes on RNA splicing suggest that this variant is not likely to affect RNA splicing. In summary, the available evidence is currently insufficient to determine the role of this variant in disease. Therefore, it has been classified as a Variant of Uncertain Significance.